The following is an entry in ClinVar:

ClinVar aggregate classification (germline): Uncertain significance (1 of 4 stars; one submission).

Conditions:
Familial thoracic aortic aneurysm and aortic dissection (TAAD). Also called: Thoracic aortic aneurysms and dissections. Identifiers: Orphanet 91387, MedGen C4707243, MONDO:0019625.

Submission:

Ambry Genetics
Classification: Uncertain significance for Familial thoracic aortic aneurysm and aortic dissection. Last evaluated: 2026-03-28. Review status: criteria provided, single submitter. Criteria: Ambry Variant Classification Scheme 2023. Collection method: clinical testing. Allele origin: germline.
Comment: The p.P593R variant (also known as c.1778C>G), located in coding exon 11 of the NOTCH1 gene, results from a C to G substitution at nucleotide position 1778. The proline at codon 593 is replaced by arginine, an amino acid with dissimilar properties. This amino acid position is conserved. In addition, the in silico prediction for this alteration is inconclusive. Based on the available evidence, the clinical significance of this variant remains unclear.

NM_017617.5(NOTCH1):c.1778C>G (p.Pro593Arg)

Gene: NOTCH1 (notch receptor 1; minus strand). Cytogenetic location: 9q34.3.
Variant type: single nucleotide variant.
Coding change: c.1778C>G on transcript NM_017617.5 (MANE Select); coding-DNA position 1778, C replaced by G.
Protein change: p.Pro593Arg; replaces proline 593 with arginine.
Molecular consequence: missense variant.
Genome position (GRCh38, 1-based): chr9:136,515,608, G>C on the plus strand (C>G on the coding strand, the complement: NOTCH1 is on the minus strand). VCF-style: chr9-136515608-G-C. GRCh37 (hg19) VCF-style: chr9-139410060-G-C.
Other names: short protein forms P593R.
Identifiers: ClinVar variation 4861110 (VCV004861110.1).